The following is an entry in ClinVar:

NM_001382430.1(AKT1):c.325G>C (p.Gly109Arg)

Gene: AKT1 (AKT serine/threonine kinase 1; minus strand). Cytogenetic location: 14q32.33.
Variant type: single nucleotide variant.
Coding change: c.325G>C on transcript NM_001382430.1 (MANE Select); coding-DNA position 325, G replaced by C.
Protein change: p.Gly109Arg; replaces glycine 109 with arginine.
Molecular consequence: missense variant.
Genome position (GRCh38, 1-based): chr14:104,775,762, C>G on the plus strand (G>C on the coding strand, the complement: AKT1 is on the minus strand). VCF-style: chr14-104775762-C-G. GRCh37 (hg19) VCF-style: chr14-105242099-C-G.
Other names: c.325G>C, p.Gly109Arg (NM_001014431.2, NM_001014432.2, NM_001382431.1 and 3 more transcripts); short protein forms G109R.
Identifiers: ClinVar variation 3519183 (VCV003519183.1).
Genomic context (GRCh38, chr14:104,775,762, plus strand): 5'-AGTTGTCACTGGGTGAGCCCGACCGGAAGTCCATCTCCTCCTCCTCCTGCTTCTTGAGGC[C>G]GTCAGCCACAGTCTGGATGGCGGTTGTCCACTCCTCCCTGCAGGAGGTCAGGTGAGGCTG-3'
Protein context (NP_001369359.1, residues 99-119): WTTAIQTVAD[Gly109Arg]LKKQEEEEMD

ClinVar aggregate classification (germline): Uncertain significance (1 of 4 stars; one submission).

Conditions:
Inborn genetic diseases. Identifiers: MedGen C0950123, MeSH D030342.

gnomAD v4.1: 6 of 1,614,030 alleles (0.00037%); highest among the groups gnomAD compares: Non-Finnish European, 0.00051%; no homozygotes.

Submission:

Ambry Genetics
Classification: Uncertain significance for Inborn genetic diseases. Last evaluated: 2024-12-08. Review status: criteria provided, single submitter. Criteria: Ambry Variant Classification Scheme 2023. Collection method: clinical testing. Allele origin: germline.
Comment: The p.G109R variant (also known as c.325G>C), located in coding exon 4 of the AKT1 gene, results from a G to C substitution at nucleotide position 325. The glycine at codon 109 is replaced by arginine, an amino acid with dissimilar properties. This amino acid position is conserved. In addition, this alteration is predicted to be tolerated by in silico analysis. Based on the available evidence, the clinical significance of this variant remains unclear.